The following is an entry in ClinVar:

NM_001232.4(CASQ2):c.546del (p.Phe182fs)

Gene: CASQ2 (calsequestrin 2; minus strand). Cytogenetic location: 1p13.1.
Variant type: Deletion.
Coding change: c.546del on transcript NM_001232.4 (MANE Select); coding-DNA position 546, one base deleted (T; older notation c.546delT).
Protein change: p.Phe182fs; shifts the reading frame from phenylalanine 182.
Molecular consequence: frameshift variant.
Genome position (GRCh38, 1-based): chr1:115,732,961, A deleted on the plus strand (T on the coding strand, the reverse complement: CASQ2 is on the minus strand); the first of 4 consecutive A bases (chr1:115,732,961-115,732,964); deleting any one gives the same sequence. VCF-style (leftmost placement, unchanged base first): chr1-115732960-CA-C. GRCh37 (hg19) VCF-style: chr1-116275581-CA-C.
Other names: c.546delT (NM_001232.3); short protein forms F182fs.
Identifiers: ClinVar variation 222522 (VCV000222522.15), dbSNP rs763955301, ClinGen allele CA351370.

ClinVar aggregate classification (germline): Pathogenic/Likely pathogenic. Review status: criteria provided, multiple submitters, no conflicts (2 of 4 stars). 6 submissions from 6 submitters: Pathogenic (4); Likely pathogenic (2). Last evaluated 2024-04-18.

Conditions:
CASQ2-related disorder. Also called: CASQ2-related condition.
Cardiovascular phenotype. Identifiers: MedGen CN230736.
Catecholaminergic polymorphic ventricular tachycardia 2. Also called: CASQ2-Related Catecholaminergic Polymorphic Ventricular Tachycardia; VENTRICULAR TACHYCARDIA, STRESS-INDUCED POLYMORPHIC 2. Identifiers: Orphanet 3286, MedGen C2677794, MONDO:0012762, OMIM 611938.
Catecholaminergic polymorphic ventricular tachycardia 1. Also called: RYR2-Related Catecholaminergic Polymorphic Ventricular Tachycardia; VENTRICULAR TACHYCARDIA, STRESS-INDUCED POLYMORPHIC 1; VENTRICULAR TACHYCARDIA, CATECHOLAMINERGIC POLYMORPHIC, 1, WITH OR WITHOUT ATRIAL DYSFUNCTION AND/OR DILATED CARDIOMYOPATHY. Identifiers: Orphanet 3286, MedGen C1631597, MONDO:0011484, OMIM 604772.

Submissions (6):

Fulgent Genetics
Classification: Likely pathogenic for Catecholaminergic polymorphic ventricular tachycardia 2. Last evaluated: 2024-04-18. Review status: criteria provided, single submitter. Criteria: ACMG Guidelines, 2015. Collection method: clinical testing. Allele origin: germline.

Labcorp Genetics (formerly Invitae), Labcorp
Classification: Pathogenic for Catecholaminergic polymorphic ventricular tachycardia 1. Last evaluated: 2023-07-28. Review status: criteria provided, single submitter. Criteria: Invitae Variant Classification Sherloc (09022015). Collection method: clinical testing. Allele origin: germline.
Comment: This premature translational stop signal has been observed in individual(s) with clinical features of catecholaminergic polymorphic ventricular tachycardia (PMID: 19398665, 21618644, 29544605, 32693635). For these reasons, this variant has been classified as Pathogenic. ClinVar contains an entry for this variant (Variation ID: 222522). This variant is present in population databases (rs763955301, gnomAD 0.006%). This sequence change creates a premature translational stop signal (p.Phe182Leufs*28) in the CASQ2 gene. It is expected to result in an absent or disrupted protein product. Loss-of-function variants in CASQ2 are known to be pathogenic (PMID: 12386154).

Genome-Nilou Lab
Classification: Likely pathogenic for Catecholaminergic polymorphic ventricular tachycardia 2. Last evaluated: 2023-04-11. Review status: criteria provided, single submitter. Criteria: ACMG Guidelines, 2015. Collection method: clinical testing. Allele origin: germline. Affected: no.

Blueprint Genetics
Classification: Pathogenic for CASQ2-related disorders. Last evaluated: 2022-12-30. Review status: criteria provided, single submitter. Criteria: ACMG Guidelines, 2015. Collection method: clinical testing. Allele origin: germline. Affected: yes. Observed: 5 variant alleles.

Ambry Genetics
Classification: Pathogenic for Cardiovascular phenotype. Last evaluated: 2022-12-23. Review status: criteria provided, single submitter. Criteria: Ambry Variant Classification Scheme 2023. Collection method: clinical testing. Allele origin: germline.
Comment: The c.546delT pathogenic mutation, located in coding exon 5 of the CASQ2 gene, results from a deletion of one nucleotide at nucleotide position 546, causing a translational frameshift with a predicted alternate stop codon (p.F182Lfs*28). This variant co-occurred in trans with a second CASQ2 variant in a proband reported to have catecholaminergic polymorphic ventricular tachycardia (CPVT) (Roux-Buisson N et al. Hum Mutat, 2011 Sep;32:995-9). This variant has also been detected in a case of sudden infant death and an additional CVPT cohort; however, details were limited (Tester DJ et al. J Am Coll Cardiol, 2018 Mar;71:1217-1227). (Ng K et al. Circulation, 2020 Sep;142:932-947). This variant is considered to be rare based on population cohorts in the Genome Aggregation Database (gnomAD). This alteration is expected to result in loss of function by premature protein truncation or nonsense-mediated mRNA decay. As such, this alteration is interpreted as a disease-causing mutation.

Victorian Clinical Genetics Services, Murdoch Childrens Research Institute
Classification: Pathogenic for Catecholaminergic polymorphic ventricular tachycardia 2. Last evaluated: 2022-02-02. Review status: criteria provided, single submitter. Criteria: ACMG Guidelines, 2015. Collection method: clinical testing. Allele origin: germline. Inheritance: Autosomal recessive inheritance. Affected: yes.
Comment: Based on the classification scheme VCGS_Germline_v1.3.4, this variant is classified as Pathogenic. Following criteria are met: 0102 - Loss of function is a known mechanism of disease in this gene and is associated with catecholaminergic polymorphic ventricular tachycardia 2 (MIM#611938). (I) 0108 - This gene is associated with both recessive and dominant disease. There is definitive evidence for autosomal recessive CPVT and moderate evidence for autosomal dominant CPVT (ClinGen). (I) 0201 - Variant is predicted to cause nonsense-mediated decay (NMD) and loss of protein (premature termination codon is located at least 54 nucleotides upstream of the final exon-exon junction). (SP) 0251 - This variant is heterozygous. (I) 0304 - Variant is present in gnomAD (v2) <0.01 for a recessive condition (7 heterozygotes, 0 homozygotes). (SP) 0701 - Other NMD-predicted variants comparable to the one identified in this case have very strong previous evidence for pathogenicity. These variants have been reported as pathogenic or likely pathogenic in many individuals with CPVT (ClinVar, PMID: 32693635). (SP) 0803 - This variant has limited previous evidence of pathogenicity in unrelated individuals. This variant has a likely pathogenic entry in ClinVar for CPVT and has been identified in a SIDS individual however, the zygosity of the variant was not provided in either case (PMID: 29544605). (SP) 0905 - No published segregation evidence has been identified for this variant. (I) 1007 - No published functional evidence has been identified for this variant. (I) 1208 - Inheritance information for this variant is not currently available in this individual. (I) Legend: (SP) - Supporting pathogenic, (I) - Information, (SB) - Supporting benign

Literature cited by the submitters: PubMed 19398665 (cited by Labcorp Genetics (formerly Invitae), Labcorp and Ambry Genetics); PubMed 21618644 (cited by 3 submitters); PubMed 29544605 (cited by 3 submitters); PubMed 32693635 (cited by 3 submitters); PubMed 12386154 (cited by Labcorp Genetics (formerly Invitae), Labcorp).